The following is an entry in ClinVar:

NM_022167.4(XYLT2):c.1696C>T (p.Leu566=)

Gene: XYLT2 (xylosyltransferase 2; plus strand). Cytogenetic location: 17q21.33.
Variant type: single nucleotide variant.
Coding change: c.1696C>T on transcript NM_022167.4 (MANE Select); coding-DNA position 1696, C replaced by T.
Protein change: p.Leu566=; no amino-acid change (leucine 566 retained).
Molecular consequence: synonymous variant.
Genome position (GRCh38, 1-based): chr17:50,356,724, C>T. VCF-style: chr17-50356724-C-T. GRCh37 (hg19) VCF-style: chr17-48434085-C-T.
Identifiers: ClinVar variation 4822951 (VCV004822951.4).

ClinVar aggregate classification (germline): Likely benign (1 of 4 stars; one submission).

Submission:

CeGaT Center for Human Genetics Tuebingen
Classification: Likely benign. Last evaluated: 2026-01-01. Review status: criteria provided, single submitter. Criteria: CeGaT Center For Human Genetics Tuebingen Variant Classification Criteria Version 2. Collection method: clinical testing. Allele origin: germline. Affected: yes. Observed: 1 variant allele.
Comment: XYLT2: PM2:Supporting, BP4, BP7